The following is an entry in ClinVar:

NM_000407.5(GP1BB):c.265A>G (p.Asn89Asp)

Genes: GP1BB (glycoprotein Ib platelet subunit beta; plus strand), SEPT5-GP1BB (SEPT5-GP1BB readthrough; plus strand). Cytogenetic location: 22q11.21.
Variant type: single nucleotide variant.
Coding change: c.265A>G on transcript NM_000407.5 (MANE Select); coding-DNA position 265, A replaced by G.
Protein change: p.Asn89Asp; replaces asparagine 89 with aspartic acid.
Molecular consequence: missense variant. On other transcripts: non-coding transcript variant (2).
Genome position (GRCh38, 1-based): chr22:19,724,108, A>G. VCF-style: chr22-19724108-A-G. GRCh37 (hg19) VCF-style: chr22-19711631-A-G.
Other names: NM_000407.5:c.265A>G; short protein forms N89D.
Identifiers: ClinVar variation 4849247 (VCV004849247.1).

ClinVar aggregate classification (germline): Likely pathogenic (3 of 4 stars; one submission).

Conditions:
Bernard Soulier syndrome (BSS). Also called: BLEEDING DISORDER, PLATELET-TYPE, 1; PLATELET GLYCOPROTEIN Ib DEFICIENCY; VON WILLEBRAND FACTOR RECEPTOR DEFICIENCY; Platelet Glycoprotein 1b, Deficiency of; Giant platelet syndrome; Hemorrhagiparous thrombocytic dystrophy. Identifiers: Orphanet 274, MedGen C0005129, MeSH D001606, MONDO:0009276, OMIM 231200.

Submission:

ClinGen Platelet Disorders Variant Curation Expert Panel, ClinGen
Classification: Likely pathogenic for Bernard Soulier syndrome. Last evaluated: 2026-04-02. Review status: reviewed by expert panel. Criteria: ClinGen Platelet ACMG Specifications GP1BB V1.0.0. Collection method: curation. Allele origin: germline. Inheritance: Autosomal recessive inheritance.
Comment: The c.265A>G variant in GP1BB is a missense variant predicted to cause substitution of Asparagine by Aspartic acid at amino acid 89 (p.Asn89Asp). This is a well known founder variant on the French Island of Reunion. This variant has been detected in at least 5 unrelated homozygous probands with Bernard-Soulier syndrome from the this island (PMID: 31997307, 1 PM3 points, PM3). At least one patient (Patient BSS1 in PMID: 31997307) with this variant had less than 10% expression of GPIba, GP1bb and GP9 measured by Western blot, which is highly specific for Bernard-Soulier syndrome. Additionally, the patient had excessive mucocutaneous bleeding and macrothrombocytopenia which are consistent with Bernard-Soulier syndrome (PP4). In both Family 2 and Family 3 of PMID: 31997307, the variant was reported to segregate in the proband plus 1 additional homozygous BSS affected sibling (2 points, PP1_Moderate). The computational predictor REVEL gives a score of 0.955, which is above the ClinGen PD VCEP threshold of >0.773 and predicts a damaging effect on GP1BB function (PP3_Moderate). This variant is absent from gnomAD v4.1.0 (PM2_Supporting). In summary, this variant meets the criteria to be classified as Likely Pathogenic for autosomal recessive Bernard-Soulier syndrome based on the ACMG/AMP criteria applied, as specified by the ClinGen PD VCEP: PM3, PP1_Moderate, PP3_Moderate, PP4 and PM2_Supporting (VCEP specifications version 1.1).